The following is an entry in ClinVar:

NM_006269.2(RP1):c.6412G>T (p.Glu2138Ter)

Gene: RP1 (RP1 axonemal microtubule associated; plus strand). Cytogenetic location: 8q12.1.
Variant type: single nucleotide variant.
Coding change: c.6412G>T on transcript NM_006269.2 (MANE Select); coding-DNA position 6412, G replaced by T.
Protein change: p.Glu2138Ter; replaces glutamic acid 2138 with a stop codon.
Molecular consequence: nonsense. On other transcripts: intron variant (1).
Genome position (GRCh38, 1-based): chr8:54,630,294, G>T. VCF-style: chr8-54630294-G-T. GRCh37 (hg19) VCF-style: chr8-55542854-G-T.
Other names: c.787+8006G>T (NM_001375654.1); short protein forms E2138*.
Identifiers: ClinVar variation 2777277 (VCV002777277.3), dbSNP rs1299206446, ClinGen allele CA370992030.

ClinVar aggregate classification (germline): Uncertain significance (1 of 4 stars; one submission).

Allele frequency attached by ClinVar (database versions not stated): gnomAD exomes below 0.00001; gnomAD 0.00001.
gnomAD v4.1: 2 of 1,613,592 alleles (0.00012%); highest among the groups gnomAD compares: Admixed American, 0.0017%; no homozygotes.

Submission:

Labcorp Genetics (formerly Invitae), Labcorp
Classification: Uncertain significance. Last evaluated: 2024-12-02. Review status: criteria provided, single submitter. Criteria: Invitae Variant Classification Sherloc (09022015). Collection method: clinical testing. Allele origin: germline.
Comment: This sequence change creates a premature translational stop signal (p.Glu2138*) in the RP1 gene. While this is not anticipated to result in nonsense mediated decay, it is expected to disrupt the last 19 amino acid(s) of the RP1 protein. This variant is present in population databases (no rsID available, gnomAD 0.003%). This variant has not been reported in the literature in individuals affected with RP1-related conditions. ClinVar contains an entry for this variant (Variation ID: 2777277). Experimental studies and prediction algorithms are not available or were not evaluated, and the functional significance of this variant is currently unknown. In summary, the available evidence is currently insufficient to determine the role of this variant in disease. Therefore, it has been classified as a Variant of Uncertain Significance.